The following is an entry in ClinVar:

ClinVar aggregate classification (germline): Uncertain significance (1 of 4 stars; one submission).

Conditions:
Distal hereditary motor neuropathy type 2. Identifiers: Orphanet 139525, MedGen C3711384, MeSH C580044, MONDO:0015352.

Allele frequency attached by ClinVar (database versions not stated): gnomAD exomes 0.00001 and 0.00002; ExAC 0.00002.
gnomAD v4.1: 11 of 1,613,496 alleles (0.00068%); highest among the groups gnomAD compares: Middle Eastern, 0.016%; no homozygotes.

Submission:

Labcorp Genetics (formerly Invitae), Labcorp
Classification: Uncertain significance for Distal hereditary motor neuropathy type 2. Last evaluated: 2019-12-25. Review status: criteria provided, single submitter. Criteria: Invitae Variant Classification Sherloc (09022015). Collection method: clinical testing. Allele origin: germline.
Comment: This variant has not been reported in the literature in individuals with FBXO38-related conditions. In summary, the available evidence is currently insufficient to determine the role of this variant in disease. Therefore, it has been classified as a Variant of Uncertain Significance. Algorithms developed to predict the effect of missense changes on protein structure and function are either unavailable or do not agree on the potential impact of this missense change (SIFT: "Tolerated"; PolyPhen-2: "Probably Damaging"; Align-GVGD: "Class C0"). This variant is present in population databases (rs766059420, ExAC 0.01%). This sequence change replaces proline with serine at codon 571 of the FBXO38 protein (p.Pro571Ser). The proline residue is highly conserved and there is a moderate physicochemical difference between proline and serine.

NM_205836.3(FBXO38):c.1711C>T (p.Pro571Ser)

Gene: FBXO38 (F-box protein 38; plus strand). Cytogenetic location: 5q32.
Variant type: single nucleotide variant.
Coding change: c.1711C>T on transcript NM_205836.3 (MANE Select); coding-DNA position 1711, C replaced by T.
Protein change: p.Pro571Ser; replaces proline 571 with serine.
Molecular consequence: missense variant.
Genome position (GRCh38, 1-based): chr5:148,424,090, C>T. VCF-style: chr5-148424090-C-T. GRCh37 (hg19) VCF-style: chr5-147803653-C-T.
Other names: c.1711C>T, p.Pro571Ser (NM_001271723.2, NM_030793.5); short protein forms P571S.
Identifiers: ClinVar variation 845610 (VCV000845610.11), dbSNP rs766059420, ClinGen allele CA3497348.